The following is an entry in ClinVar:

NM_001267550.2(TTN):c.13205C>T (p.Ala4402Val)

Gene: TTN (titin; minus strand). Cytogenetic location: 2q31.2.
Variant type: single nucleotide variant.
Coding change: c.13205C>T on transcript NM_001267550.2 (MANE Select); coding-DNA position 13205, C replaced by T.
Protein change: p.Ala4402Val; replaces alanine 4402 with valine.
Molecular consequence: missense variant. On other transcripts: intron variant (1).
Genome position (GRCh38, 1-based): chr2:178,740,028, G>A on the plus strand (C>T on the coding strand, the complement: TTN is on the minus strand). VCF-style: chr2-178740028-G-A. GRCh37 (hg19) VCF-style: chr2-179604755-G-A.
Other names: p.A4085V:GCT>GTT; c.12254C>T, p.Ala4085Val (NM_001256850.1); c.12116C>T, p.Ala4039Val (NM_003319.4); c.12491C>T, p.Ala4164Val (NM_133432.3); c.12692C>T, p.Ala4231Val (NM_133437.4); c.10361-1668C>T (NM_133378.4); short protein forms A4085V, A4402V, A4164V, A4231V, A4039V.
Identifiers: ClinVar variation 203228 (VCV000203228.12), dbSNP rs756976503, ClinGen allele CA311743.
Genomic context (GRCh38, chr2:178,740,028, plus strand): 5'-ATATTTCTTAGCCACTCAGAGAAAAGACCTGGCTGCTCGCTGGCCACGGCTGCTTGCAAA[G>A]CCCGGCAGATTTGAATTTTCAGGTTTAATCTCTGCTCTTCTGGAATACCAGAAAGCAAGC-3'
Protein context (NP_001254479.2, residues 4392-4412): RLNLKIQICR[Ala4402Val]LQAAVASEQP

ClinVar aggregate classification (germline): Uncertain significance. Review status: criteria provided, multiple submitters, no conflicts (2 of 4 stars). 4 submissions from 4 submitters: Uncertain significance (4). Last evaluated 2023-03-08.

Conditions:
Myopathy, myofibrillar, 9, with early respiratory failure (MFM9). Also called: EDSTROM MYOPATHY; MYOPATHY, PROXIMAL, WITH EARLY RESPIRATORY MUSCLE INVOLVEMENT; Myopathy, distal, with early respiratory failure, autosomal dominant; Hereditary myopathy with early respiratory failure. Identifiers: Orphanet 178464, Orphanet 34521, MedGen C1863599, MONDO:0011362, OMIM 603689.
Early-onset myopathy with fatal cardiomyopathy (CMYO5). Also called: CONGENITAL MYOPATHY 5 WITH CARDIOMYOPATHY; Salih Myopathy. Identifiers: Orphanet 289377, MedGen C2673677, MONDO:0012714, OMIM 611705. Disease mechanism: loss of function.
Hypertrophic cardiomyopathy 9. Also called: Familial hypertrophic cardiomyopathy 9. Identifiers: MedGen C1861065, MONDO:0013412, OMIM 613765.
Dilated cardiomyopathy 1G (CMD1G). Identifiers: Orphanet 154, MedGen C1858763, MONDO:0011400, OMIM 604145.
Tibial muscular dystrophy (TMD). Also called: UDD MYOPATHY; Tibial muscular dystrophy, tardive; Udd Distal Myopathy – Tibial Muscular Dystrophy. Identifiers: Orphanet 609, MedGen C1838244, MONDO:0010870, OMIM 600334.
Autosomal recessive limb-girdle muscular dystrophy type 2J (LGMDR10). Also called: MUSCULAR DYSTROPHY, LIMB-GIRDLE, AUTOSOMAL RECESSIVE 10; Limb-girdle muscular dystrophy, type 2J. Identifiers: Orphanet 140922, MedGen C1837342, MONDO:0012127, OMIM 608807.

Allele frequency attached by ClinVar (database versions not stated): gnomAD 0.00001; ExAC 0.00002; TOPMed 0.00002; gnomAD exomes 0.00003 and 0.00005.
gnomAD v4.1: 72 of 1,613,760 alleles (0.0045%); highest among the groups gnomAD compares: Non-Finnish European, 0.0058%; no homozygotes.

Submissions (4):

New York Genome Center
Classification: Uncertain significance for Dilated cardiomyopathy 1G; Hypertrophic cardiomyopathy 9. Last evaluated: 2023-03-08. Review status: criteria provided, single submitter. Criteria: NYGC Assertion Criteria 2020. Collection method: clinical testing. Allele origin: germline. Observed: 1 heterozygote.

Fulgent Genetics
Classification: Uncertain significance for Tibial muscular dystrophy; Myopathy, myofibrillar, 9, with early respiratory failure; Dilated cardiomyopathy 1G; Autosomal recessive limb-girdle muscular dystrophy type 2J; Early-onset myopathy with fatal cardiomyopathy; Hypertrophic cardiomyopathy 9. Last evaluated: 2021-07-29. Review status: criteria provided, single submitter. Criteria: ACMG Guidelines, 2015. Collection method: clinical testing. Allele origin: unknown.

ARUP Laboratories, Molecular Genetics and Genomics, ARUP Laboratories
Classification: Uncertain significance. Last evaluated: 2020-02-09. Review status: criteria provided, single submitter. Criteria: ARUP Molecular Germline Variant Investigation Process. Collection method: clinical testing. Allele origin: germline.
Comment: The TTN c.13205C>T; p.Ala4402Val variant (rs756976503; ClinVar Variation ID: 203228) is rare in the general population (<1% allele frequency in the Genome Aggregation Database) and has not been reported in the medical literature in association with dilated cardiomyopathy (DCM) or other TTN-related disease. The clinical relevance of rare missense variants in this gene, which are identified on average once per individual sequenced in affected populations (Herman 2012), is not well understood. Yet, evidence suggests that the vast majority of such missense variants do not contribute to the clinical outcome of DCM (Begay 2015). Thus, the clinical significance of the p.Ala4402Val variant cannot be determined with certainty. Pathogenic variants in the TTN gene are inherited both in an autosomal dominant and autosomal recessive manner and have been reported to cause a wide range of clinical phenotypes. TTN-associated conditions with cardiac manifestations include autosomal dominant dilated cardiomyopathy 1G (MIM: 604145), autosomal dominant familial hypertrophic cardiomyopathy 9 (MIM: 613765), and autosomal recessive Salih myopathy (MIM: 611705). Other genetic and/or environmental factors may influence the clinical phenotype. For recent information about properties and function of the titin protein see review authored by Linke and Hamdani (2014). References: Begay RL et al. Role of Titin Missense Variants in Dilated Cardiomyopathy. J Am Heart Assoc. 2015 Nov 13;4(11). Herman DS et al. Truncations of titin causing dilated cardiomyopathy. N Engl J Med. 2012 Feb 16;366(7):619-28. Linke WA and Hamdani N. Gigantic business: titin properties and function through thick and thin. Circ Res 2014; 114(6): 1052-1068.

GeneDx
Classification: Uncertain significance. Last evaluated: 2017-01-04. Review status: criteria provided, single submitter. Criteria: GeneDx Variant Classification (06012015). Collection method: clinical testing. Allele origin: germline. Affected: yes.
Comment: Missense variants in the TTN gene are considered 'unclassified' if they are not previously reported in the literature and do not have >1% frequency in the population to be considered a polymorphism. Research indicates that truncating mutations in the TTN gene are expected to account for approximately 25% of familial and 18% of sporadic idiopathic DCM; however, truncating variants in the TTN gene have been reported in approximately 3% of reported control alleles. There has been little investigation into non-truncating variants. (Herman D et al. Truncations of titin causing dilated cardiomyopathy. N Eng J Med 366:619-628, 2012) The variant is found in CARDIOMYOPATHY panel(s).